The following is an entry in ClinVar:

ClinVar aggregate classification (germline): Benign/Likely benign. Review status: criteria provided, multiple submitters, no conflicts (2 of 4 stars). 11 submissions from 11 submitters: Benign (7); Likely benign (4). Last evaluated 2026-01-11.

Conditions:
Loeys-Dietz syndrome (LDS). Identifiers: Orphanet 60030, MedGen C2697932, MONDO:0018954.
Familial thoracic aortic aneurysm and aortic dissection (TAAD). Also called: Thoracic aortic aneurysms and dissections. Identifiers: Orphanet 91387, MedGen C4707243, MONDO:0019625.
Multiple self-healing squamous epithelioma (MSSE). Also called: MULTIPLE SELF-HEALING SQUAMOUS EPITHELIOMA, SUSCEPTIBILITY TO. Identifiers: Orphanet 65748, MedGen C0546476, MONDO:0007566, OMIM 132800.

Allele frequency attached by ClinVar (database versions not stated): TOPMed 0.00018; 1000 Genomes Project 0.00020; 1000 Genomes Project 30x 0.00016; gnomAD 0.00016.
gnomAD v4.1: 129 of 1,614,018 alleles (0.008%); highest among the groups gnomAD compares: East Asian, 0.21%; no homozygotes.

Submissions (11):

Labcorp Genetics (formerly Invitae), Labcorp
Classification: Benign for Familial thoracic aortic aneurysm and aortic dissection. Last evaluated: 2026-01-11. Review status: criteria provided, single submitter. Criteria: Invitae Variant Classification Sherloc (09022015). Collection method: clinical testing. Allele origin: germline.

Molecular Diagnostic Laboratory for Inherited Cardiovascular Disease, Montreal Heart Institute
Classification: Benign. Last evaluated: 2025-04-09. Review status: criteria provided, single submitter. Criteria: ACMG Guidelines, 2015. Collection method: clinical testing. Allele origin: germline. Affected: no.
Comment: BS1;BP5;BP6;BP7

Blueprint Genetics
Classification: Likely benign. Last evaluated: 2024-10-15. Review status: criteria provided, single submitter. Criteria: ACMG Guidelines, 2015. Collection method: clinical testing. Allele origin: germline.

All of Us Research Program, National Institutes of Health
Classification: Benign for Loeys-Dietz syndrome. Last evaluated: 2024-01-11. Review status: criteria provided, single submitter. Criteria: ACMG Guidelines, 2015. Collection method: clinical testing. Allele origin: germline. Inheritance: Autosomal dominant inheritance. Observed: 36 variant alleles, 36 heterozygotes.
Comment: This study involves interpretation of variants in research participants for the purpose of population health screening. Participant phenotype was not available at the time of variant classification. Additional details can be found in publication PMID: 35346344, PMCID: PMC8962531

Women's Health and Genetics/Laboratory Corporation of America, LabCorp
Classification: Benign. Last evaluated: 2023-08-24. Review status: criteria provided, single submitter. Criteria: LabCorp Variant Classification Summary - May 2015. Collection method: clinical testing. Allele origin: germline.

KCCC/NGS Laboratory, Kuwait Cancer Control Center
Classification: Benign for Multiple self-healing squamous epithelioma. Last evaluated: 2023-07-07. Review status: criteria provided, single submitter. Criteria: ACMG Guidelines, 2015. Collection method: clinical testing. Allele origin: germline. Affected: yes.

CHEO Genetics Diagnostic Laboratory, Children's Hospital of Eastern Ontario
Classification: Benign for Familial thoracic aortic aneurysm and aortic dissection. Last evaluated: 2022-11-16. Review status: criteria provided, single submitter. Criteria: ACMG Guidelines, 2015. Collection method: clinical testing. Allele origin: germline.

Color Diagnostics, LLC DBA Color Health
Classification: Benign for Familial thoracic aortic aneurysm and aortic dissection. Last evaluated: 2018-09-28. Review status: criteria provided, single submitter. Criteria: ACMG Guidelines, 2015. Collection method: clinical testing. Allele origin: germline.

GeneDx
Classification: Likely benign. Last evaluated: 2018-07-02. Review status: criteria provided, single submitter. Criteria: GeneDx Variant Classification Process June 2021. Collection method: clinical testing. Allele origin: germline. Affected: yes.

Ambry Genetics
Classification: Likely benign for Familial thoracic aortic aneurysm and aortic dissection. Last evaluated: 2015-08-12. Review status: criteria provided, single submitter. Criteria: Ambry Variant Classification Scheme 2023. Collection method: clinical testing. Allele origin: germline.

Laboratory for Molecular Medicine, Mass General Brigham Personalized Medicine
Classification: Likely benign. Last evaluated: 2010-07-26. Review status: criteria provided, single submitter. Criteria: LMM Criteria. Collection method: clinical testing. Allele origin: germline. Observed: 1 variant allele.
Comment: This variant has not been previously reported in the literature nor been identif ied in our laboratory. It is not expected to have clinical significance because it does not alter an amino acid residue, is not located near a splice junction, nor predicted to alter splicing.

NM_004612.4(TGFBR1):c.1216T>C (p.Leu406=)

Gene: TGFBR1 (transforming growth factor beta receptor 1; plus strand). Cytogenetic location: 9q22.33.
Variant type: single nucleotide variant.
Coding change: c.1216T>C on transcript NM_004612.4 (MANE Select); coding-DNA position 1216, T replaced by C.
Protein change: p.Leu406=; no amino-acid change (leucine 406 retained).
Molecular consequence: synonymous variant.
Genome position (GRCh38, 1-based): chr9:99,146,570, T>C. VCF-style: chr9-99146570-T-C. GRCh37 (hg19) VCF-style: chr9-101908852-T-C.
Other names: c.985T>C, p.Leu329= (NM_001130916.3); c.1228T>C, p.Leu410= (NM_001306210.2).
Identifiers: ClinVar variation 45095 (VCV000045095.28), dbSNP rs200062984, ClinGen allele CA008730.